The following is an entry in ClinVar:

NM_004991.4(MECOM):c.756C>T (p.Ser252=)

Gene: MECOM (MDS1 and EVI1 complex locus; minus strand). Cytogenetic location: 3q26.2.
Variant type: single nucleotide variant.
Coding change: c.756C>T on transcript NM_004991.4 (MANE Select); coding-DNA position 756, C replaced by T.
Protein change: p.Ser252=; no amino-acid change (serine 252 retained).
Molecular consequence: synonymous variant.
Genome position (GRCh38, 1-based): chr3:169,127,918, G>A on the plus strand (C>T on the coding strand, the complement: MECOM is on the minus strand). VCF-style: chr3-169127918-G-A. GRCh37 (hg19) VCF-style: chr3-168845706-G-A.
Other names: c.756C>T (NM_004991.3); c.384C>T, p.Ser128= (NM_001105077.4); c.192C>T, p.Ser64= (NM_001105078.4, NM_001163999.2, NM_001164000.2 and 9 more transcripts); c.756C>T, p.Ser252= (NM_001366466.2, NM_001366473.2).
Identifiers: ClinVar variation 722182 (VCV000722182.17), dbSNP rs539169252, ClinGen allele CA2696477.

ClinVar aggregate classification (germline): Benign/Likely benign. Review status: criteria provided, multiple submitters, no conflicts (2 of 4 stars). 4 submissions from 4 submitters: Benign (1); Likely benign (2). 1 of the submissions does not count toward it. Last evaluated 2025-12-01.

Conditions:
Inborn genetic diseases. Identifiers: MedGen C0950123, MeSH D030342.
MECOM-related disorder. Also called: MECOM-related condition.

Allele frequency attached by ClinVar (database versions not stated): gnomAD 0.00002 and 0.00011; TOPMed 0.00002; 1000 Genomes Project 0.00060; 1000 Genomes Project 30x 0.00062; ExAC 0.00062.
gnomAD v4.1: 480 of 1,613,956 alleles (0.03%); highest among the groups gnomAD compares: South Asian, 0.41%; 9 homozygotes.

Submissions (4):

CeGaT Center for Human Genetics Tuebingen
Classification: Likely benign. Last evaluated: 2025-12-01. Review status: criteria provided, single submitter. Criteria: CeGaT Center For Human Genetics Tuebingen Variant Classification Criteria Version 2. Collection method: clinical testing. Allele origin: germline. Affected: yes. Observed: 1 variant allele.
Comment: MECOM: BP4, BP7

Labcorp Genetics (formerly Invitae), Labcorp
Classification: Benign. Last evaluated: 2025-10-03. Review status: criteria provided, single submitter. Criteria: Invitae Variant Classification Sherloc (09022015). Collection method: clinical testing. Allele origin: germline.

Ambry Genetics
Classification: Likely benign for Inborn genetic diseases. Last evaluated: 2024-11-25. Review status: criteria provided, single submitter. Criteria: Ambry Variant Classification Scheme 2023. Collection method: clinical testing. Allele origin: germline.

PreventionGenetics, part of Exact Sciences
Classification: Likely benign for MECOM-related condition. Last evaluated: 2019-07-30. Review status: no assertion criteria provided. Collection method: clinical testing. Allele origin: germline. Not counted in ClinVar's aggregate classification.
Comment: This variant is classified as likely benign based on ACMG/AMP sequence variant interpretation guidelines (Richards et al. 2015 PMID: 25741868, with internal and published modifications).